The following is an entry in ClinVar:

ClinVar aggregate classification (germline): Uncertain significance (1 of 4 stars; one submission).

Allele frequency attached by ClinVar (database versions not stated): gnomAD exomes below 0.00001.
gnomAD v4.1: 2 of 1,613,922 alleles (0.00012%); highest among the groups gnomAD compares: Non-Finnish European, 0.00017%; no homozygotes.

Submission:

Labcorp Genetics (formerly Invitae), Labcorp
Classification: Uncertain significance. Last evaluated: 2022-08-16. Review status: criteria provided, single submitter. Criteria: Invitae Variant Classification Sherloc (09022015). Collection method: clinical testing. Allele origin: germline.
Comment: In summary, the available evidence is currently insufficient to determine the role of this variant in disease. Therefore, it has been classified as a Variant of Uncertain Significance. Algorithms developed to predict the effect of missense changes on protein structure and function (SIFT, PolyPhen-2, Align-GVGD) all suggest that this variant is likely to be tolerated. This variant has not been reported in the literature in individuals affected with VCAN-related conditions. This variant is not present in population databases (gnomAD no frequency). This sequence change replaces isoleucine, which is neutral and non-polar, with methionine, which is neutral and non-polar, at codon 2886 of the VCAN protein (p.Ile2886Met).

NM_004385.5(VCAN):c.8658A>G (p.Ile2886Met)

Genes: VCAN (versican; plus strand), VCAN-AS1 (VCAN antisense RNA 1; minus strand). Cytogenetic location: 5q14.3.
Variant type: single nucleotide variant.
Coding change: c.8658A>G on transcript NM_004385.5 (MANE Select); coding-DNA position 8658, A replaced by G.
Protein change: p.Ile2886Met; replaces isoleucine 2886 with methionine.
Molecular consequence: missense variant. On other transcripts: intron variant (2).
Genome position (GRCh38, 1-based): chr5:83,541,661, A>G. VCF-style: chr5-83541661-A-G. GRCh37 (hg19) VCF-style: chr5-82837480-A-G.
Other names: c.5697A>G, p.Ile1899Met (NM_001164097.2); c.4004-3876A>G (NM_001164098.2); c.1043-3876A>G (NM_001126336.3); short protein forms I2886M, I1899M.
Identifiers: ClinVar variation 2115278 (VCV002115278.4), dbSNP rs2479124386, ClinGen allele CA360293892.